The following is an entry in ClinVar:

ClinVar aggregate classification (germline): Uncertain significance. Review status: criteria provided, multiple submitters, no conflicts (2 of 4 stars). 2 submissions from 2 submitters: Uncertain significance (2). Last evaluated 2026-08-18.

Conditions:
APOA5-related disorder. Also called: APOA5-related condition.

Submissions (2):

PreventionGenetics, part of Exact Sciences
Classification: Uncertain significance for APOA5-related condition. Last evaluated: 2026-08-18. Review status: criteria provided, single submitter. Criteria: ACMG Guidelines, 2015. Collection method: clinical testing. Allele origin: germline.
Comment: The APOA5 c.295_297delGAG variant is predicted to result in an in-frame deletion (p.Glu99del). This variant has been reported with other variants in an individual with hypertriglyceridemia (Pisciotta et al. 2011. PubMed ID: 21846464). This variant has also been reported in a cohort study of dyslipidemias (Table S4, Dron et al. 2020. PubMed ID: 32041611). This variant has not been reported in a large population database (gnomAD), indicating this variant is rare. At this time, the clinical significance of this variant is uncertain due to the absence of conclusive functional and genetic evidence.

Molecular Diagnostic Laboratory for Inherited Cardiovascular Disease, Montreal Heart Institute
Classification: Uncertain significance. Review status: criteria provided, single submitter. Criteria: ACMG Guidelines, 2015. Collection method: clinical testing. Allele origin: germline. Affected: yes.

NM_001371904.1(APOA5):c.292GAG[1] (p.Glu99del)

Gene: APOA5 (apolipoprotein A5; minus strand). Cytogenetic location: 11q23.3.
Variant type: Microsatellite.
Coding change: c.292GAG[1] on transcript NM_001371904.1 (MANE Select); one copy of the 3-base unit GAG starting at c.292; the reference has two copies in a row; one copy, 3 bases deleted.
Protein change: p.Glu99del; deletes glutamic acid 99.
Molecular consequence: inframe deletion.
Genome position (GRCh38, 1-based): chr11:116,790,932-116,790,934, CTC deleted on the plus strand (GAG on the coding strand, the reverse complement: APOA5 is on the minus strand); deleting any 3 consecutive bases within chr11:116,790,932-116,790,939 gives the same sequence; the position shown is the placement nearest the transcript's 3' end. VCF-style (leftmost placement, unchanged base first): chr11-116790931-ACTC-A. GRCh37 (hg19) VCF-style: chr11-116661647-ACTC-A.
Other names: c.295_297delGAG (NM_052968.4); c.292GAG[1], p.Glu99del (NM_001166598.2, NM_052968.5); short protein forms E99del.
Identifiers: ClinVar variation 684818 (VCV000684818.3), dbSNP rs1591313200, ClinGen allele CA915948263.